The following is an entry in ClinVar:

NM_000925.4(PDHB):c.*92C>A

Gene: PDHB (pyruvate dehydrogenase E1 subunit beta; minus strand). Cytogenetic location: 3p14.3.
Variant type: single nucleotide variant.
Coding change: c.*92C>A on transcript NM_000925.4 (MANE Select); 92 bases downstream of the stop codon, C replaced by A.
Molecular consequence: 3 prime UTR variant. On other transcripts: non-coding transcript variant (1).
Genome position (GRCh38, 1-based): chr3:58,427,942, G>T on the plus strand (C>A on the coding strand, the complement: PDHB is on the minus strand). VCF-style: chr3-58427942-G-T. GRCh37 (hg19) VCF-style: chr3-58413669-G-T.
Other names: c.*92C>A (NM_001173468.2, NM_001315536.2).
Identifiers: ClinVar variation 346403 (VCV000346403.7), dbSNP rs4228, ClinGen allele CA2471352.
Genomic context (GRCh38, chr3:58,427,942, plus strand): 5'-CAAACACATTTAAACTTCCCTGTACAAAAATACCTGCTGTTGCTTTAGAAATCGTTTTCC[G>T]TTATGAATAGTCAGGTCTTGCAGTACAAATCCAGGTGCAGTGCCAGCAAGTATTTCAAAT-3'

ClinVar aggregate classification (germline): Benign. Review status: criteria provided, multiple submitters, no conflicts (2 of 4 stars). 3 submissions from 3 submitters: Benign (3). Last evaluated 2018-01-13.

Conditions:
Pyruvate dehydrogenase E1-beta deficiency (PDHBD). Identifiers: Orphanet 255138, Orphanet 765, MedGen C3279841, MONDO:0013580, OMIM 614111.

Allele frequency attached by ClinVar (database versions not stated): 1000 Genomes Project 0.20467; 1000 Genomes Project 30x 0.21034; TOPMed 0.29654.
gnomAD v4.1: 313,055 of 960,880 alleles (33%); highest among the groups gnomAD compares: Middle Eastern, 41%; 55,912 homozygotes.

Submissions (3):

Illumina Laboratory Services, Illumina
Classification: Benign for Pyruvate dehydrogenase E1-beta deficiency. Last evaluated: 2018-01-13. Review status: criteria provided, single submitter. Criteria: ICSL Variant Classification Criteria 13 December 2019. Collection method: clinical testing. Allele origin: germline.
Comment: This variant was observed in the ICSL laboratory as part of a predisposition screen in an ostensibly healthy population. It had not been previously curated by ICSL or reported in the Human Gene Mutation Database (HGMD: prior to June 1st, 2018), and was therefore a candidate for classification through an automated scoring system. Utilizing variant allele frequency, disease prevalence and penetrance estimates, and inheritance mode, an automated score was calculated to assess if this variant is too frequent to cause the disease. Based on the score and internal cut-off values, a variant classified as benign is not then subjected to further curation. The score for this variant resulted in a classification of benign for this disease.

GeneDx
Classification: Benign. Last evaluated: 2015-03-03. Review status: criteria provided, single submitter. Criteria: GeneDx Variant Classification Process June 2021. Collection method: clinical testing. Allele origin: germline. Affected: yes.

Breakthrough Genomics
Classification: Benign. Review status: criteria provided, single submitter. Criteria: ACMG Guidelines, 2015. Collection method: not provided. Allele origin: germline. Inheritance: Autosomal recessive inheritance. Affected: yes.